The following is an entry in ClinVar:

ClinVar aggregate classification (germline): Uncertain significance (1 of 4 stars; one submission).

Submission:

Labcorp Genetics (formerly Invitae), Labcorp
Classification: Uncertain significance. Last evaluated: 2024-02-17. Review status: criteria provided, single submitter. Criteria: Invitae Variant Classification Sherloc (09022015). Collection method: clinical testing. Allele origin: germline.
Comment: This sequence change replaces lysine, which is basic and polar, with isoleucine, which is neutral and non-polar, at codon 1387 of the DLC1 protein (p.Lys1387Ile). This variant is not present in population databases (gnomAD no frequency). This variant has not been reported in the literature in individuals affected with DLC1-related conditions. ClinVar contains an entry for this variant (Variation ID: 1974465). An algorithm developed to predict the effect of missense changes on protein structure and function (PolyPhen-2) suggests that this variant is likely to be disruptive. In summary, the available evidence is currently insufficient to determine the role of this variant in disease. Therefore, it has been classified as a Variant of Uncertain Significance.

NM_182643.3(DLC1):c.4160A>T (p.Lys1387Ile)

Gene: DLC1 (DLC1 Rho GTPase activating protein; minus strand). Cytogenetic location: 8p22.
Variant type: single nucleotide variant.
Coding change: c.4160A>T on transcript NM_182643.3 (MANE Select); coding-DNA position 4160, A replaced by T.
Protein change: p.Lys1387Ile; replaces lysine 1387 with isoleucine.
Molecular consequence: missense variant.
Genome position (GRCh38, 1-based): chr8:13,088,619, T>A on the plus strand (A>T on the coding strand, the complement: DLC1 is on the minus strand). VCF-style: chr8-13088619-T-A. GRCh37 (hg19) VCF-style: chr8-12946128-T-A.
Other names: c.2951A>T, p.Lys984Ile (NM_001316668.2); c.4160A>T, p.Lys1387Ile (NM_001348081.2, NM_001413124.1); c.2627A>T, p.Lys876Ile (NM_001348082.2, NM_001348083.1, NM_001348084.2 and 6 more transcripts); c.2849A>T, p.Lys950Ile (NM_006094.5, NM_001413135.1); c.2732A>T, p.Lys911Ile (NM_001413129.1); c.2942A>T, p.Lys981Ile (NM_001413130.1); c.2600A>T, p.Lys867Ile (NM_001413131.1, NM_001413137.1); c.3086A>T, p.Lys1029Ile (NM_001413132.1); and 2 more; short protein forms K1029I, K876I, K981I, K984I, K995I, K911I, K950I, K1387I.
Identifiers: ClinVar variation 1974465 (VCV001974465.5), dbSNP rs2536947379, ClinGen allele CA370340175.